The following is an entry in ClinVar:

NM_007294.4(BRCA1):c.738dup (p.Asn247fs)

Gene: BRCA1 (BRCA1 DNA repair associated; minus strand). Cytogenetic location: 17q21.31.
Variant type: Duplication.
Coding change: c.738dup on transcript NM_007294.4 (MANE Select); coding-DNA position 738, one base duplicated (G; older notation c.738dupG).
Protein change: p.Asn247fs; shifts the reading frame from asparagine 247.
Molecular consequence: frameshift variant. On other transcripts: non-coding transcript variant (1).
Genome position (GRCh38, 1-based): chr17:43,094,793, C duplicated on the plus strand (G on the coding strand, the reverse complement: BRCA1 is on the minus strand). VCF-style (leftmost placement, unchanged base first): chr17-43094792-T-TC. GRCh37 (hg19) VCF-style: chr17-41246809-T-TC.
Other names: c.738dupG (NM_007294.3); c.738dup, p.Asn247Glufs (NM_001407582.1, NM_001407583.1, NM_001407585.1 and 52 more transcripts); c.735dup, p.Asn246Glufs (NM_001407587.1, NM_001407590.1, NM_001407591.1 and 38 more transcripts); c.729dup, p.Asn244Glufs (NM_001407646.1, NM_001407647.1, NM_001408408.1); c.615dup, p.Asn206Glufs (NM_001407648.1, NM_001407664.1, NM_001407665.1 and 34 more transcripts); c.612dup, p.Asn205Glufs (NM_001407649.1, NM_001407670.1, NM_001407671.1 and 20 more transcripts); c.660dup, p.Asn221Glufs (NM_001407653.1, NM_001407654.1, NM_001407655.1 and 9 more transcripts); c.657dup, p.Asn220Glufs (NM_001407659.1, NM_001407660.1, NM_001407661.1 and 3 more transcripts); and 17 more; short protein forms N200fs, N247fs.
Identifiers: ClinVar variation 827009 (VCV000827009.5), dbSNP rs1597880292, ClinGen allele CA915950141.

ClinVar aggregate classification (germline): Pathogenic (1 of 4 stars; one submission).

Conditions:
Hereditary cancer-predisposing syndrome. Also called: Neoplastic Syndromes, Hereditary; Tumor predisposition; Hereditary neoplastic syndrome; Hereditary Cancer Syndrome. Identifiers: Orphanet 140162, MedGen C0027672, MeSH D009386, MONDO:0015356.

Submission:

Ambry Genetics
Classification: Pathogenic for Hereditary cancer-predisposing syndrome. Last evaluated: 2018-03-21. Review status: criteria provided, single submitter. Criteria: Ambry Variant Classification Scheme 2023. Collection method: clinical testing. Allele origin: germline.
Comment: The c.738dupG pathogenic mutation, located in coding exon 9 of the BRCA1 gene, results from a duplication of G at nucleotide position 738, causing a translational frameshift with a predicted alternate stop codon (p.N247Efs*4). While this exact alteration has not been reported in the literature, another mutation resulting in a stop codon at the same position, c.742dupA (also known as c.862insA), was detected in 1/989 unrelated individuals from a cohort of German breast/ovarian cancer families (Meindl A et al. Int. J. Cancer, 2002 Feb;97:472-80). In addition to the clinical data presented in the literature, this alteration is expected to result in loss of function by premature protein truncation or nonsense-mediated mRNA decay. As such, this alteration is interpreted as a disease-causing mutation.

Literature cited by the submitters: PubMed 11802209.